The following is an entry in ClinVar:

ClinVar aggregate classification (germline): Conflicting classifications of pathogenicity. Review status: criteria provided, conflicting classifications (1 of 4 stars). 2 submissions from 2 submitters: Uncertain significance (1); Likely benign (1). Last evaluated 2025-08-24.

Conditions:
Cardiovascular phenotype. Identifiers: MedGen CN230736.
Long QT syndrome 10 (LQT10). Identifiers: Orphanet 101016, Orphanet 768, MedGen C2678484, MONDO:0012737, OMIM 611819.

Allele frequency attached by ClinVar (database versions not stated): ExAC 0.00006; gnomAD 0.00009; TOPMed 0.00017; ESP Exome Variant Server 0.00031.
gnomAD v4.1: 24 of 1,612,458 alleles (0.0015%); highest among the groups gnomAD compares: African/African-American, 0.027%; no homozygotes.

Submissions (2):

Labcorp Genetics (formerly Invitae), Labcorp
Classification: Uncertain significance for Long QT syndrome 10. Last evaluated: 2025-08-24. Review status: criteria provided, single submitter. Criteria: Invitae Variant Classification Sherloc (09022015). Collection method: clinical testing. Allele origin: germline.
Comment: This sequence change replaces valine, which is neutral and non-polar, with isoleucine, which is neutral and non-polar, at codon 169 of the SCN4B protein (p.Val169Ile). This variant is present in population databases (rs149457565, gnomAD 0.05%), and has an allele count higher than expected for a pathogenic variant. This variant has not been reported in the literature in individuals affected with SCN4B-related conditions. ClinVar contains an entry for this variant (Variation ID: 1745090). An algorithm developed to predict the effect of missense changes on protein structure and function (PolyPhen-2) suggests that this variant is likely to be tolerated. In summary, the available evidence is currently insufficient to determine the role of this variant in disease. Therefore, it has been classified as a Variant of Uncertain Significance.

Ambry Genetics
Classification: Likely benign for Cardiovascular phenotype. Last evaluated: 2024-11-26. Review status: criteria provided, single submitter. Criteria: Ambry Variant Classification Scheme 2023. Collection method: clinical testing. Allele origin: germline.

NM_174934.4(SCN4B):c.505G>A (p.Val169Ile)

Gene: SCN4B (sodium voltage-gated channel beta subunit 4; minus strand). Cytogenetic location: 11q23.3.
Variant type: single nucleotide variant.
Coding change: c.505G>A on transcript NM_174934.4 (MANE Select); coding-DNA position 505, G replaced by A.
Protein change: p.Val169Ile; replaces valine 169 with isoleucine.
Molecular consequence: missense variant. On other transcripts: non-coding transcript variant (1).
Genome position (GRCh38, 1-based): chr11:118,141,295, C>T on the plus strand (G>A on the coding strand, the complement: SCN4B is on the minus strand). VCF-style: chr11-118141295-C-T. GRCh37 (hg19) VCF-style: chr11-118012010-C-T.
Other names: c.103G>A, p.Val35Ile (NM_001142348.2); c.175G>A, p.Val59Ile (NM_001142349.2); short protein forms V35I, V59I, V169I.
Identifiers: ClinVar variation 1745090 (VCV001745090.8), dbSNP rs149457565, ClinGen allele CA6300182.